The following is an entry in ClinVar:

NM_032608.7(MYO18B):c.7523C>T (p.Ser2508Leu)

Gene: MYO18B (myosin XVIIIB; plus strand). Cytogenetic location: 22q12.1.
Variant type: single nucleotide variant.
Coding change: c.7523C>T on transcript NM_032608.7 (MANE Select); coding-DNA position 7523, C replaced by T.
Protein change: p.Ser2508Leu; replaces serine 2508 with leucine.
Molecular consequence: missense variant.
Genome position (GRCh38, 1-based): chr22:26,027,497, C>T. VCF-style: chr22-26027497-C-T. GRCh37 (hg19) VCF-style: chr22-26423463-C-T.
Other names: c.7526C>T, p.Ser2509Leu (NM_001318245.2); short protein forms S2509L, S2508L.
Identifiers: ClinVar variation 1414283 (VCV001414283.6), dbSNP rs751177880, ClinGen allele CA10161795.
Genomic context (GRCh38, chr22:26,027,497, plus strand): 5'-TCAAGACCATTTTGAAGAAGAGCCCGGAGCCCAAGGAGGATCCCGCTCACCTGTCTGACT[C>T]GTCCTCATCCTCCGGCTCCATCGTGTCCTTCAAAAGTGCTGACAGCATCAAAAGTCGACC-3'
Protein context (NP_115997.5, residues 2498-2518): PKEDPAHLSD[Ser2508Leu]SSSSGSIVSF

ClinVar aggregate classification (germline): Uncertain significance (1 of 4 stars; one submission).

Allele frequency attached by ClinVar (database versions not stated): TOPMed 0.00002.
gnomAD v4.1: 9 of 1,613,992 alleles (0.00056%); highest among the groups gnomAD compares: East Asian, 0.013%; no homozygotes.

Submission:

Labcorp Genetics (formerly Invitae), Labcorp
Classification: Uncertain significance. Last evaluated: 2023-01-20. Review status: criteria provided, single submitter. Criteria: Invitae Variant Classification Sherloc (09022015). Collection method: clinical testing. Allele origin: germline.
Comment: ClinVar contains an entry for this variant (Variation ID: 1414283). In summary, the available evidence is currently insufficient to determine the role of this variant in disease. Therefore, it has been classified as a Variant of Uncertain Significance. An algorithm developed to predict the effect of missense changes on protein structure and function (PolyPhen-2) suggests that this variant is likely to be disruptive. This variant has not been reported in the literature in individuals affected with MYO18B-related conditions. This variant is present in population databases (rs751177880, gnomAD 0.006%). This sequence change replaces serine, which is neutral and polar, with leucine, which is neutral and non-polar, at codon 2508 of the MYO18B protein (p.Ser2508Leu).